The following is an entry in ClinVar:

ClinVar aggregate classification (germline): Uncertain significance (1 of 4 stars; one submission).

Allele frequency attached by ClinVar (database versions not stated): gnomAD exomes below 0.00001; ExAC 0.00001.
gnomAD v4.1: 1 of 1,613,440 alleles (0.000062%); highest among the groups gnomAD compares: Admixed American, 0.0017%; no homozygotes.

Submission:

Labcorp Genetics (formerly Invitae), Labcorp
Classification: Uncertain significance. Last evaluated: 2022-10-25. Review status: criteria provided, single submitter. Criteria: Invitae Variant Classification Sherloc (09022015). Collection method: clinical testing. Allele origin: germline.
Comment: This sequence change replaces isoleucine, which is neutral and non-polar, with phenylalanine, which is neutral and non-polar, at codon 671 of the TRAF3IP1 protein (p.Ile671Phe). This variant is present in population databases (rs759110906, gnomAD 0.003%). This variant has not been reported in the literature in individuals affected with TRAF3IP1-related conditions. Advanced modeling of protein sequence and biophysical properties (such as structural, functional, and spatial information, amino acid conservation, physicochemical variation, residue mobility, and thermodynamic stability) performed at Invitae indicates that this missense variant is expected to disrupt TRAF3IP1 protein function. In summary, the available evidence is currently insufficient to determine the role of this variant in disease. Therefore, it has been classified as a Variant of Uncertain Significance.

NM_015650.4(TRAF3IP1):c.2011A>T (p.Ile671Phe)

Gene: TRAF3IP1 (TRAF3 interacting protein 1; plus strand). Cytogenetic location: 2q37.3.
Variant type: single nucleotide variant.
Coding change: c.2011A>T on transcript NM_015650.4 (MANE Select); coding-DNA position 2011, A replaced by T.
Protein change: p.Ile671Phe; replaces isoleucine 671 with phenylalanine.
Molecular consequence: missense variant.
Genome position (GRCh38, 1-based): chr2:238,398,854, A>T. VCF-style: chr2-238398854-A-T. GRCh37 (hg19) VCF-style: chr2-239307495-A-T.
Other names: c.1813A>T, p.Ile605Phe (NM_001139490.1); short protein forms I605F, I671F.
Identifiers: ClinVar variation 1714747 (VCV001714747.6), dbSNP rs759110906, ClinGen allele CA2198636.
Genomic context (GRCh38, chr2:238,398,854, plus strand): 5'-GCGGAGCTGGAGCAGCTGATCAAAGACCAGCAAGACAAGATCTGTGCTGTGAAGGCCAAC[A>T]TCCTCAAGAATGAAGAAAAAATCCAGAAAATGGTATATAGTATCAATTTGACTTCGAGAA-3'
Protein context (NP_056465.2, residues 661-681): QDKICAVKAN[Ile671Phe]LKNEEKIQKM